The following is an entry in ClinVar:

ClinVar aggregate classification (germline): Uncertain significance (1 of 4 stars; one submission).

Conditions:
Arrhythmogenic right ventricular dysplasia 5. Also called: Arrhythmogenic Right Ventricular Dysplasia/Cardiomyopathy 5; ARRHYTHMOGENIC RIGHT VENTRICULAR DYSPLASIA, FAMILIAL, 5. Identifiers: MedGen C1858379, MONDO:0011459, OMIM 604400.

Submission:

Labcorp Genetics (formerly Invitae), Labcorp
Classification: Uncertain significance for Arrhythmogenic right ventricular dysplasia 5. Last evaluated: 2023-05-30. Review status: criteria provided, single submitter. Criteria: Invitae Variant Classification Sherloc (09022015). Collection method: clinical testing. Allele origin: germline.
Comment: In summary, the available evidence is currently insufficient to determine the role of this variant in disease. Therefore, it has been classified as a Variant of Uncertain Significance. Advanced modeling of protein sequence and biophysical properties (such as structural, functional, and spatial information, amino acid conservation, physicochemical variation, residue mobility, and thermodynamic stability) performed at Invitae indicates that this missense variant is not expected to disrupt TMEM43 protein function. This variant has not been reported in the literature in individuals affected with TMEM43-related conditions. This variant is not present in population databases (gnomAD no frequency). This sequence change replaces lysine, which is basic and polar, with asparagine, which is neutral and polar, at codon 278 of the TMEM43 protein (p.Lys278Asn).

NM_024334.3(TMEM43):c.834G>C (p.Lys278Asn)

Gene: TMEM43 (transmembrane protein 43; plus strand). Cytogenetic location: 3p25.1.
Variant type: single nucleotide variant.
Coding change: c.834G>C on transcript NM_024334.3 (MANE Select); coding-DNA position 834, G replaced by C.
Protein change: p.Lys278Asn; replaces lysine 278 with asparagine.
Molecular consequence: missense variant.
Genome position (GRCh38, 1-based): chr3:14,135,860, G>C. VCF-style: chr3-14135860-G-C. GRCh37 (hg19) VCF-style: chr3-14177360-G-C.
Other names: c.837G>C, p.Lys279Asn (NM_001407274.1); c.831G>C, p.Lys277Asn (NM_001407275.1, NM_001407277.1); c.834G>C, p.Lys278Asn (NM_001407276.1); c.819G>C, p.Lys273Asn (NM_001407278.1); c.759G>C, p.Lys253Asn (NM_001407279.1); c.684G>C, p.Lys228Asn (NM_001407280.1); short protein forms K228N, K253N, K277N, K278N, K273N, K279N.
Identifiers: ClinVar variation 2971171 (VCV002971171.3), dbSNP rs151009158, ClinGen allele CA351535966.